The following is an entry in ClinVar:

NM_003922.4(HERC1):c.902C>G (p.Thr301Ser)

Gene: HERC1 (HECT and RLD domain containing E3 ubiquitin protein ligase family member 1; minus strand). Cytogenetic location: 15q22.31.
Variant type: single nucleotide variant.
Coding change: c.902C>G on transcript NM_003922.4 (MANE Select); coding-DNA position 902, C replaced by G.
Protein change: p.Thr301Ser; replaces threonine 301 with serine.
Molecular consequence: missense variant.
Genome position (GRCh38, 1-based): chr15:63,774,722, G>C on the plus strand (C>G on the coding strand, the complement: HERC1 is on the minus strand). VCF-style: chr15-63774722-G-C. GRCh37 (hg19) VCF-style: chr15-64066921-G-C.
Other names: c.902C>G (NM_003922.3); short protein forms T301S.
Identifiers: ClinVar variation 2415370 (VCV002415370.6), dbSNP rs368323380, ClinGen allele CA7606596.
Genomic context (GRCh38, chr15:63,774,722, plus strand): 5'-TGAACTTTAAAGTTGAGACTTATAGTACGTACCAAAGAACGCCTCATCTGCATTAATATG[G>C]TCATAAAGCAGTCAAAGCTGATCATTCCTTCCTGGCTTGAGAGTAGTTTGCCTTTCTCCA-3'
Protein context (NP_003913.3, residues 291-311): EGMISFDCFM[Thr301Ser]ILMQMRRSLG

ClinVar aggregate classification (germline): Uncertain significance. Review status: criteria provided, multiple submitters, no conflicts (2 of 4 stars). 2 submissions from 2 submitters: Uncertain significance (2). Last evaluated 2024-03-01.

Conditions:
Inborn genetic diseases. Identifiers: MedGen C0950123, MeSH D030342.

Allele frequency attached by ClinVar (database versions not stated): ExAC 0.00003; gnomAD 0.00007; ESP Exome Variant Server 0.00008; TOPMed 0.00009.
gnomAD v4.1: 168 of 1,612,722 alleles (0.01%); highest among the groups gnomAD compares: Non-Finnish European, 0.014%; no homozygotes.

Submissions (2):

Ambry Genetics
Classification: Uncertain significance for Inborn genetic diseases. Last evaluated: 2024-03-01. Review status: criteria provided, single submitter. Criteria: Ambry Variant Classification Scheme 2023. Collection method: clinical testing. Allele origin: germline.

Labcorp Genetics (formerly Invitae), Labcorp
Classification: Uncertain significance. Last evaluated: 2022-08-01. Review status: criteria provided, single submitter. Criteria: Invitae Variant Classification Sherloc (09022015). Collection method: clinical testing. Allele origin: germline.
Comment: In summary, the available evidence is currently insufficient to determine the role of this variant in disease. Therefore, it has been classified as a Variant of Uncertain Significance. Algorithms developed to predict the effect of missense changes on protein structure and function output the following: SIFT: "Tolerated"; PolyPhen-2: "Benign"; Align-GVGD: "Class C0". The serine amino acid residue is found in multiple mammalian species, which suggests that this missense change does not adversely affect protein function. This variant has not been reported in the literature in individuals affected with HERC1-related conditions. This variant is present in population databases (rs368323380, gnomAD 0.01%). This sequence change replaces threonine, which is neutral and polar, with serine, which is neutral and polar, at codon 301 of the HERC1 protein (p.Thr301Ser).